The following is an entry in ClinVar:

NM_001701.4(BAAT):c.*160T>C

Gene: BAAT (bile acid-CoA:amino acid N-acyltransferase; minus strand). Cytogenetic location: 9q31.1.
Variant type: single nucleotide variant.
Coding change: c.*160T>C on transcript NM_001701.4 (MANE Select); 160 bases downstream of the stop codon, T replaced by C.
Molecular consequence: 3 prime UTR variant.
Genome position (GRCh38, 1-based): chr9:101,362,268, A>G on the plus strand (T>C on the coding strand, the complement: BAAT is on the minus strand). VCF-style: chr9-101362268-A-G. GRCh37 (hg19) VCF-style: chr9-104124550-A-G.
Other names: c.*160T>C (NM_001127610.2, NM_001374715.1).
Identifiers: ClinVar variation 364274 (VCV000364274.6), dbSNP rs139712344, ClinGen allele CA10631846.
Genomic context (GRCh38, chr9:101,362,268, plus strand): 5'-TAAAATGATTTGTTTTATGATTTATTCACCATGTCCAGTTTGGTTAGCTTGTTATGCAGT[A>G]TAAGTGAAATATCAGGTTTTTACCCTATGCTCTTTTTAATCATTAAAATTAATACAAAAT-3'

ClinVar aggregate classification (germline): Benign. Review status: criteria provided, multiple submitters, no conflicts (2 of 4 stars). 2 submissions from 2 submitters: Benign (2). Last evaluated 2018-01-12.

Conditions:
Hypercholanemia, familial 1 (FHCA1). Identifiers: Orphanet 238475, MedGen C5542604, MONDO:0031446, OMIM 607748.

Allele frequency attached by ClinVar (database versions not stated): gnomAD 0.00881 and 0.00931; 1000 Genomes Project 30x 0.00921; 1000 Genomes Project 0.00938; TOPMed 0.00968.

Submissions (2):

Illumina Laboratory Services, Illumina
Classification: Benign for Hypercholanemia, familial 1. Last evaluated: 2018-01-12. Review status: criteria provided, single submitter. Criteria: ICSL Variant Classification Criteria 13 December 2019. Collection method: clinical testing. Allele origin: germline.
Comment: This variant was observed in the ICSL laboratory as part of a predisposition screen in an ostensibly healthy population. It had not been previously curated by ICSL or reported in the Human Gene Mutation Database (HGMD: prior to June 1st, 2018), and was therefore a candidate for classification through an automated scoring system. Utilizing variant allele frequency, disease prevalence and penetrance estimates, and inheritance mode, an automated score was calculated to assess if this variant is too frequent to cause the disease. Based on the score and internal cut-off values, a variant classified as benign is not then subjected to further curation. The score for this variant resulted in a classification of benign for this disease.

Breakthrough Genomics
Classification: Benign. Review status: criteria provided, single submitter. Criteria: ACMG Guidelines, 2015. Collection method: not provided. Allele origin: germline. Inheritance: Autosomal recessive inheritance. Affected: yes.